The following is an entry in ClinVar:

NM_001171.6(ABCC6):c.3362C>T (p.Ser1121Leu)

Gene: ABCC6 (ATP binding cassette subfamily C member 6; minus strand). Cytogenetic location: 16p13.11.
Variant type: single nucleotide variant.
Coding change: c.3362C>T on transcript NM_001171.6 (MANE Select); coding-DNA position 3362, C replaced by T.
Protein change: p.Ser1121Leu; replaces serine 1121 with leucine.
Molecular consequence: missense variant.
Genome position (GRCh38, 1-based): chr16:16,163,137, G>A on the plus strand (C>T on the coding strand, the complement: ABCC6 is on the minus strand). VCF-style: chr16-16163137-G-A. GRCh37 (hg19) VCF-style: chr16-16256994-G-A.
Other names: c.3020C>T, p.Ser1007Leu (NM_001351800.1); short protein forms S1121L, S1007L.
Identifiers: ClinVar variation 433311 (VCV000433311.5), dbSNP rs63750987, ClinGen allele CA7925599.

ClinVar aggregate classification (germline): Pathogenic. Review status: criteria provided, single submitter (1 of 4 stars). 2 submissions from 2 submitters: Pathogenic (1). 1 of the submissions does not count toward it. Last evaluated 2023-12-28.

Conditions:
Autosomal recessive inherited pseudoxanthoma elasticum (PXE). Identifiers: Orphanet 758, MedGen CN032334, MONDO:0009925, OMIM 264800.

Allele frequency attached by ClinVar (database versions not stated): gnomAD exomes below 0.00001; ExAC 0.00001.
gnomAD v4.1: 4 of 1,613,786 alleles (0.00025%); highest among the groups gnomAD compares: African/African-American, 0.0013%; no homozygotes.

Submissions (2):

Labcorp Genetics (formerly Invitae), Labcorp
Classification: Pathogenic. Last evaluated: 2023-12-28. Review status: criteria provided, single submitter. Criteria: Invitae Variant Classification Sherloc (09022015). Collection method: clinical testing. Allele origin: germline.
Comment: This sequence change replaces serine, which is neutral and polar, with leucine, which is neutral and non-polar, at codon 1121 of the ABCC6 protein (p.Ser1121Leu). This variant is present in population databases (rs63750987, gnomAD 0.0009%). This missense change has been observed in individual(s) with pseudoxanthoma elasticum (PMID: 16086317). In at least one individual the data is consistent with being in trans (on the opposite chromosome) from a pathogenic variant. It has also been observed to segregate with disease in related individuals. ClinVar contains an entry for this variant (Variation ID: 433311). Advanced modeling of protein sequence and biophysical properties (such as structural, functional, and spatial information, amino acid conservation, physicochemical variation, residue mobility, and thermodynamic stability) performed at Invitae indicates that this missense variant is expected to disrupt ABCC6 protein function with a positive predictive value of 95%. For these reasons, this variant has been classified as Pathogenic.

PXE International
Classification: Pathogenic for Autosomal recessive inherited pseudoxanthoma elasticum. Last evaluated: 2021-03-01. Review status: no assertion criteria provided. Collection method: research. Allele origin: germline. Inheritance: Autosomal recessive inheritance. Affected: yes. Not counted in ClinVar's aggregate classification.

Literature cited by the submitters: PubMed 16086317 (cited by Labcorp Genetics (formerly Invitae), Labcorp and PXE International); PubMed 32873932 (cited by PXE International).